The following is an entry in ClinVar:

ClinVar aggregate classification (germline): Uncertain significance (1 of 4 stars; one submission).

gnomAD v4.1: 4 of 1,613,958 alleles (0.00025%); highest among the groups gnomAD compares: Admixed American, 0.0067%; no homozygotes.

Submission:

Labcorp Genetics (formerly Invitae), Labcorp
Classification: Uncertain significance. Last evaluated: 2024-11-26. Review status: criteria provided, single submitter. Criteria: Invitae Variant Classification Sherloc (09022015). Collection method: clinical testing. Allele origin: germline.
Comment: This sequence change replaces alanine, which is neutral and non-polar, with glycine, which is neutral and non-polar, at codon 43 of the CCDC50 protein (p.Ala43Gly). This variant is present in population databases (no rsID available, gnomAD 0.009%). This variant has not been reported in the literature in individuals affected with CCDC50-related conditions. An algorithm developed to predict the effect of missense changes on protein structure and function (PolyPhen-2) suggests that this variant is likely to be disruptive. In summary, the available evidence is currently insufficient to determine the role of this variant in disease. Therefore, it has been classified as a Variant of Uncertain Significance.

NM_178335.3(CCDC50):c.128C>G (p.Ala43Gly)

Gene: CCDC50 (coiled-coil domain containing 50; plus strand). Cytogenetic location: 3q28.
Variant type: single nucleotide variant.
Coding change: c.128C>G on transcript NM_178335.3 (MANE Select); coding-DNA position 128, C replaced by G.
Protein change: p.Ala43Gly; replaces alanine 43 with glycine.
Molecular consequence: missense variant.
Genome position (GRCh38, 1-based): chr3:191,358,013, C>G. VCF-style: chr3-191358013-C-G. GRCh37 (hg19) VCF-style: chr3-191075802-C-G.
Other names: c.128C>G, p.Ala43Gly (NM_174908.4); short protein forms A43G.
Identifiers: ClinVar variation 3624064 (VCV003624064.2).
Genomic context (GRCh38, chr3:191,358,013, plus strand): 5'-AAACCAAGACATTATTCATTCCTGTCCTCAATCTTTTTGTTCCAGTTGAGCATCATTTGG[C>G]ATCGAACGTTCAGCGGAACCGTTTGGTCCAGCATGATCTCCAGGTGGCTAAGCAGCTCCA-3'
Protein context (NP_848018.1, residues 33-53): LQEQEIEHHL[Ala43Gly]SNVQRNRLVQ